The following is an entry in ClinVar:

NM_001174089.2(SLC4A11):c.246_249del (p.Asn82fs)

Gene: SLC4A11 (solute carrier family 4 member 11; minus strand). Cytogenetic location: 20p13.
Variant type: Deletion.
Coding change: c.246_249del on transcript NM_001174089.2 (MANE Select); coding-DNA positions 246 to 249, 4 bases deleted (TGAA; older notation c.246_249delTGAA).
Protein change: p.Asn82fs; shifts the reading frame from asparagine 82.
Molecular consequence: frameshift variant. On other transcripts: non-coding transcript variant (3).
Genome position (GRCh38, 1-based): chr20:3,234,610-3,234,613, TTCA deleted on the plus strand (TGAA on the coding strand, the reverse complement: SLC4A11 is on the minus strand); deleting any 4 consecutive bases within chr20:3,234,610-3,234,616 gives the same sequence; the c. name uses the placement nearest the transcript's 3' end. VCF-style (leftmost placement, unchanged base first): chr20-3234609-CTTCA-C. GRCh37 (hg19) VCF-style: chr20-3215255-CTTCA-C.
Other names: c.375_378del, p.Asn125fs (NM_001174090.2, NM_001400280.1); c.246_249del, p.Asn82fs (NM_001363745.2); c.189_192del, p.Asn63fs (NM_001400277.1, NM_001400278.1, NM_001400279.1); c.294_297del, p.Asn98fs (NM_032034.4); short protein forms N98fs, N125fs, N63fs, N82fs.
Identifiers: ClinVar variation 2103024 (VCV002103024.4), dbSNP rs2514607038, ClinGen allele CA2580098007.

ClinVar aggregate classification (germline): Pathogenic (1 of 4 stars; one submission).

Submission:

Labcorp Genetics (formerly Invitae), Labcorp
Classification: Pathogenic. Last evaluated: 2022-03-05. Review status: criteria provided, single submitter. Criteria: Invitae Variant Classification Sherloc (09022015). Collection method: clinical testing. Allele origin: germline.
Comment: For these reasons, this variant has been classified as Pathogenic. This variant has not been reported in the literature in individuals affected with SLC4A11-related conditions. This variant is not present in population databases (gnomAD no frequency). This sequence change creates a premature translational stop signal (p.Asn98Lysfs*17) in the SLC4A11 gene. It is expected to result in an absent or disrupted protein product. Loss-of-function variants in SLC4A11 are known to be pathogenic (PMID: 17220209, 17679935).

Literature cited by the submitters: PubMed 17220209; PubMed 17679935.